The following is an entry in ClinVar:

NM_021930.6(RINT1):c.934C>T (p.Pro312Ser)

Gene: RINT1 (RAD50 interactor 1; plus strand). Cytogenetic location: 7q22.3.
Variant type: single nucleotide variant.
Coding change: c.934C>T on transcript NM_021930.6 (MANE Select); coding-DNA position 934, C replaced by T.
Protein change: p.Pro312Ser; replaces proline 312 with serine.
Molecular consequence: missense variant. On other transcripts: 5 prime UTR variant (1), non-coding transcript variant (1), intron variant (1).
Genome position (GRCh38, 1-based): chr7:105,548,648, C>T. VCF-style: chr7-105548648-C-T. GRCh37 (hg19) VCF-style: chr7-105189095-C-T.
Other names: c.934C>T (NM_021930.4); c.700C>T, p.Pro234Ser (NM_001346599.2); c.-86C>T (NM_001346600.2); c.10C>T, p.Pro4Ser (NM_001346601.2); c.-27-1407C>T (NM_001346603.2); short protein forms P234S, P4S, P312S.
Identifiers: ClinVar variation 1467547 (VCV001467547.9), dbSNP rs1157330836, ClinGen allele CA368808013.

ClinVar aggregate classification (germline): Uncertain significance. Review status: criteria provided, multiple submitters, no conflicts (2 of 4 stars). 2 submissions from 2 submitters: Uncertain significance (2). Last evaluated 2025-04-28.

Allele frequency attached by ClinVar (database versions not stated): gnomAD exomes below 0.00001 and 0.00001.
gnomAD v4.1: 9 of 1,614,152 alleles (0.00056%); highest among the groups gnomAD compares: Non-Finnish European, 0.00076%; no homozygotes.

Submissions (2):

Labcorp Genetics (formerly Invitae), Labcorp
Classification: Uncertain significance. Last evaluated: 2025-04-28. Review status: criteria provided, single submitter. Criteria: Invitae Variant Classification Sherloc (09022015). Collection method: clinical testing. Allele origin: germline.
Comment: This sequence change replaces proline, which is neutral and non-polar, with serine, which is neutral and polar, at codon 312 of the RINT1 protein (p.Pro312Ser). This variant is present in population databases (no rsID available, gnomAD 0.0009%). This variant has not been reported in the literature in individuals affected with RINT1-related conditions. ClinVar contains an entry for this variant (Variation ID: 1467547). An algorithm developed to predict the effect of missense changes on protein structure and function (PolyPhen-2) suggests that this variant is likely to be disruptive. In summary, the available evidence is currently insufficient to determine the role of this variant in disease. Therefore, it has been classified as a Variant of Uncertain Significance.

Ambry Genetics
Classification: Uncertain significance. Last evaluated: 2023-09-05. Review status: criteria provided, single submitter. Criteria: Ambry Variant Classification Scheme 2023. Collection method: clinical testing. Allele origin: germline.
Comment: The p.P312S variant (also known as c.934C>T), located in coding exon 7 of the RINT1 gene, results from a C to T substitution at nucleotide position 934. The proline at codon 312 is replaced by serine, an amino acid with similar properties. This amino acid position is conserved. In addition, this alteration is predicted to be deleterious by in silico analysis. Since supporting evidence is limited at this time, the clinical significance of this alteration remains unclear.